The following is an entry in ClinVar:

ClinVar aggregate classification (germline): Uncertain significance (1 of 4 stars; one submission).

Conditions:
Inborn genetic diseases. Identifiers: MedGen C0950123, MeSH D030342.

gnomAD v4.1: 6 of 1,613,566 alleles (0.00037%); highest among the groups gnomAD compares: African/African-American, 0.008%; no homozygotes.

Submission:

Ambry Genetics
Classification: Uncertain significance for Inborn genetic diseases. Last evaluated: 2025-12-15. Review status: criteria provided, single submitter. Criteria: Ambry Variant Classification Scheme 2023. Collection method: clinical testing. Allele origin: germline.
Comment: The c.3331A>G (p.I1111V) alteration is located in exon 25 (coding exon 24) of the CEP135 gene. This alteration results from a A to G substitution at nucleotide position 3331, causing the isoleucine (I) at amino acid position 1111 to be replaced by a valine (V). Based on data from gnomAD, the G allele has an overall frequency of 0.001% (4/282614) total alleles studied. The highest observed frequency was 0.016% (4/24960) of African alleles. Based on insufficient or conflicting evidence, the clinical significance of this alteration remains unclear.

NM_025009.5(CEP135):c.3331A>G (p.Ile1111Val)

Gene: CEP135 (centrosomal protein 135; plus strand). Cytogenetic location: 4q12.
Variant type: single nucleotide variant.
Coding change: c.3331A>G on transcript NM_025009.5 (MANE Select); coding-DNA position 3331, A replaced by G.
Protein change: p.Ile1111Val; replaces isoleucine 1111 with valine.
Molecular consequence: missense variant.
Genome position (GRCh38, 1-based): chr4:56,024,511, A>G. VCF-style: chr4-56024511-A-G. GRCh37 (hg19) VCF-style: chr4-56890677-A-G.
Other names: short protein forms I1111V.
Identifiers: ClinVar variation 4831215 (VCV004831215.1).
Genomic context (GRCh38, chr4:56,024,511, plus strand): 5'-ATTTTCCCTGGTGCTTGAATATATCTCTCTTGTTTGATCTTTACTAACAGAGAACGAGCA[A>G]TCCAAGAGATGCGTCGACATGGTCTTGCTACACCACCCCTTAGTTCCACTCTGAGGTCTC-3'
Protein context (NP_079285.2, residues 1101-1121): STERYERERA[Ile1111Val]QEMRRHGLAT